The following is an entry in ClinVar:

NM_001267550.2(TTN):c.31168G>C (p.Glu10390Gln)

Gene: TTN (titin; minus strand). Cytogenetic location: 2q31.2.
Variant type: single nucleotide variant.
Coding change: c.31168G>C on transcript NM_001267550.2 (MANE Select); coding-DNA position 31168, G replaced by C.
Protein change: p.Glu10390Gln; replaces glutamic acid 10390 with glutamine.
Molecular consequence: missense variant. On other transcripts: intron variant (3).
Genome position (GRCh38, 1-based): chr2:178,695,904, C>G on the plus strand (G>C on the coding strand, the complement: TTN is on the minus strand). VCF-style: chr2-178695904-C-G. GRCh37 (hg19) VCF-style: chr2-179560631-C-G.
Other names: c.30217G>C, p.Glu10073Gln (NM_001256850.1); c.27436G>C, p.Glu9146Gln (NM_133378.4); c.13282+42178G>C (NM_003319.4); c.13858+42178G>C (NM_133437.4); c.13657+42178G>C (NM_133432.3); short protein forms E10073Q, E10390Q, E9146Q.
Identifiers: ClinVar variation 1049651 (VCV001049651.1), dbSNP rs2073620188, ClinGen allele CA349565088.

ClinVar aggregate classification (germline): Uncertain significance (0 of 4 stars; one submission).

gnomAD v4.1: 4 of 1,464,360 alleles (0.00027%); highest among the groups gnomAD compares: Non-Finnish European, 0.00036%; no homozygotes.

Submission:

Department of Pathology and Laboratory Medicine, Sinai Health System
Classification: Uncertain significance. Review status: no assertion criteria provided. Collection method: clinical testing. Allele origin: unknown. Affected: yes. Study: The Canadian Open Genetics Repository (COGR).
Comment: The TTN p.Glu9146Gln variant was not identified in the literature nor was it identified in dbSNP, ClinVar, LOVD 3.0 or in the following control databases: the 1000 Genomes Project, the NHLBI GO Exome Sequencing Project, or the Genome Aggregation Database (March 6, 2019, v2.1.1). The p.Glu9146 residue is not conserved in mammals and computational analyses (PolyPhen-2, SIFT, AlignGVGD, BLOSUM, MutationTaster) do not suggest a high likelihood of impact to the protein; however, this information is not predictive enough to rule out pathogenicity. The variant occurs outside of the splicing consensus sequence and in silico or computational prediction software programs (SpliceSiteFinder, MaxEntScan, NNSPLICE, GeneSplicer) do not predict a difference in splicing. In summary, based on the above information the clinical significance of this variant cannot be determined with certainty at this time. This variant is classified as a variant of uncertain significance.